The following is an entry in ClinVar:

NM_014989.7(RIMS1):c.4055G>A (p.Arg1352Gln)

Gene: RIMS1 (regulating synaptic membrane exocytosis 1; plus strand). Cytogenetic location: 6q13.
Variant type: single nucleotide variant.
Coding change: c.4055G>A on transcript NM_014989.7 (MANE Select); coding-DNA position 4055, G replaced by A.
Protein change: p.Arg1352Gln; replaces arginine 1352 with glutamine.
Molecular consequence: missense variant. On other transcripts: intron variant (24).
Genome position (GRCh38, 1-based): chr6:72,313,597, G>A. VCF-style: chr6-72313597-G-A. GRCh37 (hg19) VCF-style: chr6-73023300-G-A.
Other names: c.2015G>A, p.Arg672Gln (NM_001168407.2); c.1976G>A, p.Arg659Gln (NM_001350414.2); c.2099G>A, p.Arg700Gln (NM_001350415.2); c.2048G>A, p.Arg683Gln (NM_001350416.2); c.2021G>A, p.Arg674Gln (NM_001350418.2); c.2129G>A, p.Arg710Gln (NM_001350420.2); c.1874G>A, p.Arg625Gln (NM_001350421.2); c.1790G>A, p.Arg597Gln (NM_001350423.2, NM_001350444.2); and 52 more; short protein forms R1352Q, R592Q, R621Q, R625Q, R648Q, R652Q, R659Q, R683Q.
Identifiers: ClinVar variation 2148764 (VCV002148764.6), dbSNP rs753599872, ClinGen allele CA3886432.

ClinVar aggregate classification (germline): Uncertain significance. Review status: criteria provided, multiple submitters, no conflicts (2 of 4 stars). 2 submissions from 2 submitters: Uncertain significance (2). Last evaluated 2025-11-12.

Allele frequency attached by ClinVar (database versions not stated): ExAC 0.00001; gnomAD 0.00001; TOPMed 0.00002.
gnomAD v4.1: 18 of 1,613,504 alleles (0.0011%); highest among the groups gnomAD compares: East Asian, 0.0045%; no homozygotes.

Submissions (2):

Labcorp Genetics (formerly Invitae), Labcorp
Classification: Uncertain significance. Last evaluated: 2025-11-12. Review status: criteria provided, single submitter. Criteria: Invitae Variant Classification Sherloc (09022015). Collection method: clinical testing. Allele origin: germline.
Comment: This sequence change replaces arginine, which is basic and polar, with glutamine, which is neutral and polar, at codon 1352 of the RIMS1 protein (p.Arg1352Gln). This variant is present in population databases (rs753599872, gnomAD 0.007%). This variant has not been reported in the literature in individuals affected with RIMS1-related conditions. ClinVar contains an entry for this variant (Variation ID: 2148764). An algorithm developed to predict the effect of missense changes on protein structure and function (PolyPhen-2) suggests that this variant is likely to be disruptive. In summary, the available evidence is currently insufficient to determine the role of this variant in disease. Therefore, it has been classified as a Variant of Uncertain Significance.

Ambry Genetics
Classification: Uncertain significance. Last evaluated: 2025-08-27. Review status: criteria provided, single submitter. Criteria: Ambry Variant Classification Scheme 2023. Collection method: clinical testing. Allele origin: germline.